The following is an entry in ClinVar:

NM_000900.5(MGP):c.198C>G (p.His66Gln)

Gene: MGP (matrix Gla protein; minus strand). Cytogenetic location: 12p12.3.
Variant type: single nucleotide variant.
Coding change: c.198C>G on transcript NM_000900.5 (MANE Select); coding-DNA position 198, C replaced by G.
Protein change: p.His66Gln; replaces histidine 66 with glutamine.
Molecular consequence: missense variant.
Genome position (GRCh38, 1-based): chr12:14,882,253, G>C on the plus strand (C>G on the coding strand, the complement: MGP is on the minus strand). VCF-style: chr12-14882253-G-C. GRCh37 (hg19) VCF-style: chr12-15035187-G-C.
Other names: c.273C>G, p.His91Gln (NM_001190839.3); short protein forms H66Q, H91Q.
Identifiers: ClinVar variation 4690137 (VCV004690137.1).

ClinVar aggregate classification (germline): Uncertain significance (1 of 4 stars; one submission).

Submission:

GeneDx
Classification: Uncertain significance. Last evaluated: 2025-07-31. Review status: criteria provided, single submitter. Criteria: GeneDx Variant Classification Process June 2021. Collection method: clinical testing. Allele origin: germline. Affected: yes.
Comment: Not observed at significant frequency in large population cohorts (gnomAD); In silico analysis suggests that this missense variant does not alter protein structure/function; Has not been previously published as pathogenic or benign to our knowledge